The following is an entry in ClinVar:

ClinVar aggregate classification (germline): Uncertain significance (1 of 4 stars; one submission).

Submission:

Labcorp Genetics (formerly Invitae), Labcorp
Classification: Uncertain significance. Last evaluated: 2022-05-24. Review status: criteria provided, single submitter. Criteria: Invitae Variant Classification Sherloc (09022015). Collection method: clinical testing. Allele origin: germline.
Comment: In summary, the available evidence is currently insufficient to determine the role of this variant in disease. Therefore, it has been classified as a Variant of Uncertain Significance. This variant has not been reported in the literature in individuals affected with OCA2-related conditions. This variant is present in population databases (no rsID available, gnomAD 0.0009%). This variant, c.1095_1103dup, results in the insertion of 3 amino acid(s) of the OCA2 protein (p.Ala366_Ala368dup), but otherwise preserves the integrity of the reading frame.

NM_000275.3(OCA2):c.1086AGCACTGGC[3] (p.Ala368_Val369insAlaLeuAla)

Gene: OCA2 (OCA2 melanosomal transmembrane protein; minus strand). Cytogenetic location: 15q13.1.
Variant type: Microsatellite.
Coding change: c.1086AGCACTGGC[3] on transcript NM_000275.3 (MANE Select); three copies in a row of the 9-base unit AGCACTGGC starting at c.1086; the reference has two copies in a row; one copy, 9 bases duplicated.
Protein change: p.Ala368_Val369insAlaLeuAla.
Molecular consequence: inframe insertion. On other transcripts: intron variant (1).
Genome position (GRCh38, 1-based): chr15:27,990,589-27,990,597, GCCAGTGCT duplicated on the plus strand (AGCACTGGC on the coding strand, the reverse complement: OCA2 is on the minus strand); duplicating any 9 consecutive bases within chr15:27,990,589-27,990,608 gives the same sequence; the position shown is the placement nearest the transcript's 3' end. VCF-style (leftmost placement, unchanged base first): chr15-27990588-A-AGCCAGTGCT. GRCh37 (hg19) VCF-style: chr15-28235734-A-AGCCAGTGCT.
Other names: c.1045-940AGCACTGGC[3] (NM_001300984.2).
Identifiers: ClinVar variation 2101576 (VCV002101576.4), dbSNP rs1263195991, ClinGen allele CA616706640.